The following is an entry in ClinVar:

ClinVar aggregate classification (germline): Uncertain significance. Review status: criteria provided, multiple submitters, no conflicts (2 of 4 stars). 2 submissions from 2 submitters: Uncertain significance (2). Last evaluated 2025-05-04.

Conditions:
Autosomal recessive limb-girdle muscular dystrophy type 2L (LGMDR12). Also called: Limb-girdle muscular dystrophy, type 2L; MUSCULAR DYSTROPHY, LIMB-GIRDLE, AUTOSOMAL RECESSIVE 12; Limb-Girdle Muscular Dystrophy R12 Anoctamin-5-Related (LGMD-R12). Identifiers: Orphanet 206549, MedGen C1969785, MONDO:0012652, OMIM 611307.
Gnathodiaphyseal dysplasia (GDD). Also called: GNATHODIAPHYSEAL SCLEROSIS; OSTEOGENESIS IMPERFECTA WITH UNUSUAL SKELETAL LESIONS. Identifiers: Orphanet 53697, MedGen C1833736, MONDO:0008151, OMIM 166260.

Submissions (2):

Labcorp Genetics (formerly Invitae), Labcorp
Classification: Uncertain significance for Autosomal recessive limb-girdle muscular dystrophy type 2L; Gnathodiaphyseal dysplasia. Last evaluated: 2025-05-04. Review status: criteria provided, single submitter. Criteria: Invitae Variant Classification Sherloc (09022015). Collection method: clinical testing. Allele origin: germline.
Comment: This sequence change disrupts the translational stop signal of the ANO5 mRNA. It is expected to extend the length of the ANO5 protein by 81 additional amino acid residues. This variant is present in population databases (rs746934922, gnomAD 0.01%). This variant has not been reported in the literature in individuals affected with ANO5-related conditions. Algorithms developed to predict the effect of sequence changes on RNA splicing suggest that this variant may create or strengthen a splice site. In summary, the available evidence is currently insufficient to determine the role of this variant in disease. Therefore, it has been classified as a Variant of Uncertain Significance.

ARUP Laboratories, Molecular Genetics and Genomics, ARUP Laboratories
Classification: Uncertain significance. Last evaluated: 2021-09-01. Review status: criteria provided, single submitter. Criteria: ARUP Molecular Germline Variant Investigation Process 2021. Collection method: clinical testing. Allele origin: germline.
Comment: The ANO5 c.2739_2740del, p.Ter914IleextTer81 variant (rs746934922), to our knowledge, is not reported in the medical literature or in gene-specific databases. It is only observed on one allele in the Genome Aggregation Database, indicating it is not a common polymorphism. This variant results in a loss of the stop codon by deleting 2 nucleotides, and is predicted to extend the native protein by incorporating a novel sequence of 81 amino acids. Due to limited information, the clinical significance of the p.Ter914IleextTer81 variant is uncertain at this time.

NM_213599.3(ANO5):c.2739_2740del (p.Ter914IleextTer?)

Gene: ANO5 (anoctamin 5; plus strand). Cytogenetic location: 11p14.3.
Variant type: Microsatellite.
Coding change: c.2739_2740del on transcript NM_213599.3 (MANE Select); coding-DNA positions 2739 to 2740, 2 bases deleted (CT; older notation c.2739_2740delCT).
Protein change: p.Ter914IleextTer?.
Molecular consequence: frameshift variant.
Genome position (GRCh38, 1-based): chr11:22,279,762-22,279,763, CT deleted; deleting any 2 consecutive bases within chr11:22,279,760-22,279,763 gives the same sequence; the c. name uses the placement nearest the transcript's 3' end. VCF-style (leftmost placement, unchanged base first): chr11-22279759-ACT-A. GRCh37 (hg19) VCF-style: chr11-22301305-ACT-A.
Other names: c.2736_2737del, p.Ter913IleextTer? (NM_001142649.2).
Identifiers: ClinVar variation 1331008 (VCV001331008.9), dbSNP rs746934922, ClinGen allele CA5923657.
Genomic context (GRCh38, chr11:22,279,759, plus strand): 5'-TAATGAATTTGCCAAGCATGTCATGATTGAGGAAAACAAAGCACAGCTGGCTAAATCAAC[ACT>A]CTAATCAGTATAGTGAGGAAGCAGCAGGTGATCTGCCTTACTTCACTTTATCCTCTGGTT-3'